The following is an entry in ClinVar:

NM_004370.6(COL12A1):c.741T>G (p.Ile247Met)

Gene: COL12A1 (collagen type XII alpha 1 chain; minus strand). Cytogenetic location: 6q13.
Variant type: single nucleotide variant.
Coding change: c.741T>G on transcript NM_004370.6 (MANE Select); coding-DNA position 741, T replaced by G.
Protein change: p.Ile247Met; replaces isoleucine 247 with methionine.
Molecular consequence: missense variant. On other transcripts: intron variant (1).
Genome position (GRCh38, 1-based): chr6:75,189,299, A>C on the plus strand (T>G on the coding strand, the complement: COL12A1 is on the minus strand). VCF-style: chr6-75189299-A-C. GRCh37 (hg19) VCF-style: chr6-75899015-A-C.
Other names: p.Ile247Met; c.73+13421T>G (NM_080645.3); short protein forms I247M.
Identifiers: ClinVar variation 575452 (VCV000575452.16), dbSNP rs371124522, ClinGen allele CA3894360.

ClinVar aggregate classification (germline): Uncertain significance. Review status: criteria provided, multiple submitters, no conflicts (2 of 4 stars). 6 submissions from 6 submitters: Uncertain significance (6). Last evaluated 2025-12-23.

Conditions:
Ullrich congenital muscular dystrophy 2 (UCMD2). Identifiers: Orphanet 75840, MedGen C4225314, MONDO:0014654, OMIM 616470.
Bethlem myopathy 2 (BTHLM2). Identifiers: Orphanet 536516, Orphanet 610, MedGen C4225313, MONDO:0034022, OMIM 616471.
Inborn genetic diseases. Identifiers: MedGen C0950123, MeSH D030342.

Allele frequency attached by ClinVar (database versions not stated): gnomAD 0.00004 and 0.00003; TOPMed 0.00003; gnomAD exomes 0.00004; ExAC 0.00002; ESP Exome Variant Server 0.00008.
gnomAD v4.1: 85 of 1,613,116 alleles (0.0053%); highest among the groups gnomAD compares: Non-Finnish European, 0.007%; no homozygotes.

Submissions (6):

Labcorp Genetics (formerly Invitae), Labcorp
Classification: Uncertain significance for Bethlem myopathy 2; Ullrich congenital muscular dystrophy 2. Last evaluated: 2025-12-23. Review status: criteria provided, single submitter. Criteria: Invitae Variant Classification Sherloc (09022015). Collection method: clinical testing. Allele origin: germline.
Comment: This sequence change replaces isoleucine, which is neutral and non-polar, with methionine, which is neutral and non-polar, at codon 247 of the COL12A1 protein (p.Ile247Met). The frequency data for this variant in the population databases is considered unreliable, as metrics indicate poor data quality at this position in the gnomAD database. This variant has not been reported in the literature in individuals affected with COL12A1-related conditions. ClinVar contains an entry for this variant (Variation ID: 575452). Invitae Evidence Modeling of protein sequence and biophysical properties (such as structural, functional, and spatial information, amino acid conservation, physicochemical variation, residue mobility, and thermodynamic stability) has been performed for this missense variant. However, the output from this modeling did not meet the statistical confidence thresholds required to predict the impact of this variant on COL12A1 protein function. In summary, the available evidence is currently insufficient to determine the role of this variant in disease. Therefore, it has been classified as a Variant of Uncertain Significance.

Women's Health and Genetics/Laboratory Corporation of America, LabCorp
Classification: Uncertain significance. Last evaluated: 2025-12-15. Review status: criteria provided, single submitter. Criteria: LabCorp Variant Classification Summary - May 2015. Collection method: clinical testing. Allele origin: germline.
Comment: Variant summary: COL12A1 c.741T>G (p.Ile247Met) results in a conservative amino acid change in the encoded protein sequence. Algorithms developed to predict the effect of missense changes on protein structure and function are either unavailable or do not agree on the potential impact of this missense change. The variant allele was found at a frequency of 3.6e-05 in 249042 control chromosomes. The available data on variant occurrences in the general population are insufficient to allow any conclusion about variant significance. c.741T>G has been observed in individual(s) with clinical features of Ehlers-Danlos Syndrome (Tonk_2025). This report does not provide unequivocal conclusions about association of the variant with COL12A1-related conditions. To our knowledge, no experimental evidence demonstrating an impact on protein function has been reported. ClinVar contains an entry for this variant (Variation ID: 575452). Based on the evidence outlined above, the variant was classified as uncertain significance.

Mayo Clinic Laboratories, Mayo Clinic
Classification: Uncertain significance. Last evaluated: 2025-07-10. Review status: criteria provided, single submitter. Criteria: ACMG Guidelines, 2015. Collection method: clinical testing. Allele origin: germline. Observed: 1 variant allele.

Revvity Omics, Revvity
Classification: Uncertain significance. Last evaluated: 2024-12-21. Review status: criteria provided, single submitter. Criteria: ACMG Guidelines, 2015. Collection method: clinical testing. Allele origin: germline.

Ambry Genetics
Classification: Uncertain significance for Inborn genetic diseases. Last evaluated: 2023-04-18. Review status: criteria provided, single submitter. Criteria: Ambry Variant Classification Scheme 2023. Collection method: clinical testing. Allele origin: germline.

Department of Pathology and Laboratory Medicine, Sinai Health System
Classification: Uncertain significance for Bethlem myopathy 2. Last evaluated: 2022-03-07. Review status: criteria provided, single submitter. Criteria: ACMG Guidelines, 2015. Collection method: research. Allele origin: germline.